The following is an entry in ClinVar:

ClinVar aggregate classification (germline): Pathogenic/Likely pathogenic. Review status: criteria provided, multiple submitters, no conflicts (2 of 4 stars). 3 submissions from 3 submitters: Pathogenic (1); Likely pathogenic (1). 1 of the submissions does not count toward it. Last evaluated 2025-09-10.

Conditions:
Myopathy, sarcoplasmic body (MYOSB). Also called: MYOGLOBINOPATHY. Identifiers: MedGen C5830362, MONDO:0859530, OMIM 620286.
Colorectal carcinoma. Identifiers: MedGen C0009402, MONDO:0024331.

Submissions (3):

Genomic Medicine Center of Excellence, King Faisal Specialist Hospital and Research Centre
Classification: Likely pathogenic for Colorectal carcinoma. Last evaluated: 2025-09-10. Review status: criteria provided, single submitter. Criteria: ACMG Guidelines, 2015. Collection method: clinical testing. Allele origin: germline.

Harry Perkins Institute Of Medical Research, University Of Western Australia
Classification: Pathogenic for Myoglobinopathy. Last evaluated: 2019-01-23. Review status: criteria provided, single submitter. Criteria: ACMG Guidelines, 2015. Collection method: research. Allele origin: inherited. Inheritance: Autosomal dominant inheritance. Affected: yes. Observed: 14 variant alleles, 14 heterozygotes. Clinical features observed: myoglobinopathy.
Comment: We identified this variant in 6 European families with a specific autosomal dominant cardiac and skeletal myopathy, we have termed this disease myoglobinopathy. The patient muscles display aggregates of myoglobin and we show through various functional studies that the mutant protein has altered the capacity to bind oxygen.

OMIM
Classification: Pathogenic for MYOPATHY, SARCOPLASMIC BODY. Last evaluated: 2023-03-21. Review status: no assertion criteria provided. Collection method: literature only. Allele origin: germline. Not counted in ClinVar's aggregate classification.

Literature cited by the submitters: PubMed 30918256 (cited by OMIM); PubMed 6251174 (cited by OMIM); PubMed 35527200 (cited by OMIM); PubMed 34679218 (cited by OMIM).

NM_005368.3(MB):c.292C>T (p.His98Tyr)

Gene: MB (myoglobin; minus strand). Cytogenetic location: 22q12.3.
Variant type: single nucleotide variant.
Coding change: c.292C>T on transcript NM_005368.3 (MANE Select); coding-DNA position 292, C replaced by T.
Protein change: p.His98Tyr; replaces histidine 98 with tyrosine.
Molecular consequence: missense variant.
Genome position (GRCh38, 1-based): chr22:35,610,910, G>A on the plus strand (C>T on the coding strand, the complement: MB is on the minus strand). VCF-style: chr22-35610910-G-A. GRCh37 (hg19) VCF-style: chr22-36006957-G-A.
Other names: c.292C>T, p.His98Tyr (NM_001362846.2, NM_001382809.1, NM_001382810.1 and 3 more transcripts); c.127C>T, p.His43Tyr (NM_001382812.1, NM_001382813.1); short protein forms H98Y, H43Y.
Identifiers: ClinVar variation 617634 (VCV000617634.7), dbSNP rs1601842249, ClinGen allele CA411351503.